The following is an entry in ClinVar:

NM_001282116.2(RFX3):c.1968+60C>G

Gene: RFX3 (regulatory factor X3; minus strand). Cytogenetic location: 9p24.2.
Variant type: single nucleotide variant.
Coding change: c.1968+60C>G on transcript NM_001282116.2 (MANE Select); 60 bases into the intron after coding-DNA position 1968, C replaced by G.
Molecular consequence: intron variant. On other transcripts: missense variant (1).
Genome position (GRCh38, 1-based): chr9:3,247,972, G>C on the plus strand (C>G on the coding strand, the complement: RFX3 is on the minus strand). VCF-style: chr9-3247972-G-C. GRCh37 (hg19) VCF-style: chr9-3247972-G-C.
Other names: c.2028C>G, p.His676Gln (NM_002919.4); c.1968+60C>G (NM_001377999.1, NM_134428.3); short protein forms H676Q.
Identifiers: ClinVar variation 3357140 (VCV003357140.1).

ClinVar aggregate classification (germline): Likely benign (0 of 4 stars; one submission).

Conditions:
RFX3-related disorder. Also called: RFX3-related condition.

gnomAD v4.1: 436 of 1,613,798 alleles (0.027%); highest among the groups gnomAD compares: Non-Finnish European, 0.021%; no homozygotes.

Submission:

PreventionGenetics, part of Exact Sciences
Classification: Likely benign for RFX3-related condition. Last evaluated: 2024-05-08. Review status: no assertion criteria provided. Collection method: clinical testing. Allele origin: germline.
Comment: This variant is classified as likely benign based on ACMG/AMP sequence variant interpretation guidelines (Richards et al. 2015 PMID: 25741868, with internal and published modifications).